The following is an entry in ClinVar:

NM_000548.5(TSC2):c.5349G>T (p.Glu1783Asp)

Gene: TSC2 (TSC complex subunit 2; plus strand). Cytogenetic location: 16p13.3.
Variant type: single nucleotide variant.
Coding change: c.5349G>T on transcript NM_000548.5 (MANE Select); coding-DNA position 5349, G replaced by T.
Protein change: p.Glu1783Asp; replaces glutamic acid 1783 with aspartic acid.
Molecular consequence: missense variant. On other transcripts: non-coding transcript variant (5).
Genome position (GRCh38, 1-based): chr16:2,088,535, G>T. VCF-style: chr16-2088535-G-T. GRCh37 (hg19) VCF-style: chr16-2138536-G-T.
Other names: c.5037G>T, p.Glu1679Asp (NM_001406678.1); c.5001G>T, p.Glu1667Asp (NM_001406679.1); c.4749G>T, p.Glu1583Asp (NM_001406680.1); c.4689G>T, p.Glu1563Asp (NM_001406681.1); c.4680G>T, p.Glu1560Asp (NM_001406682.1, NM_001406683.1); c.4677G>T, p.Glu1559Asp (NM_001406684.1); c.4551G>T, p.Glu1517Asp (NM_001406685.1, NM_001406686.1); c.4548G>T, p.Glu1516Asp (NM_001406687.1, NM_001406688.1); and 27 more; short protein forms E1516D, E1668D, E1717D, E1736D, E1739D, E1757D, E1759D, E1760D.
Identifiers: ClinVar variation 2884748 (VCV002884748.3), dbSNP rs2151640927, ClinGen allele CA394315728.

ClinVar aggregate classification (germline): Uncertain significance (1 of 4 stars; one submission).

Conditions:
Tuberous sclerosis 2 (TSC2). Identifiers: Orphanet 805, MedGen C1860707, MONDO:0013199, OMIM 613254.

Submission:

Labcorp Genetics (formerly Invitae), Labcorp
Classification: Uncertain significance for Tuberous sclerosis 2. Last evaluated: 2023-10-15. Review status: criteria provided, single submitter. Criteria: Invitae Variant Classification Sherloc (09022015). Collection method: clinical testing. Allele origin: germline.
Comment: This sequence change replaces glutamic acid, which is acidic and polar, with aspartic acid, which is acidic and polar, at codon 1783 of the TSC2 protein (p.Glu1783Asp). This variant is not present in population databases (gnomAD no frequency). This variant has not been reported in the literature in individuals affected with TSC2-related conditions. Advanced modeling of protein sequence and biophysical properties (such as structural, functional, and spatial information, amino acid conservation, physicochemical variation, residue mobility, and thermodynamic stability) performed at Invitae indicates that this missense variant is not expected to disrupt TSC2 protein function. In summary, the available evidence is currently insufficient to determine the role of this variant in disease. Therefore, it has been classified as a Variant of Uncertain Significance.